The following is an entry in ClinVar:

ClinVar aggregate classification (germline): Pathogenic (1 of 4 stars; one submission).

Conditions:
Charcot-Marie-Tooth disease type 4. Also called: Charcot-Marie-Tooth, Type 4; Charcot-Marie-Tooth disease, type IV. Identifiers: Orphanet 64749, MedGen C4082197, MONDO:0018995.

Submission:

Labcorp Genetics (formerly Invitae), Labcorp
Classification: Pathogenic for Charcot-Marie-Tooth disease type 4. Last evaluated: 2022-06-10. Review status: criteria provided, single submitter. Criteria: Invitae Variant Classification Sherloc (09022015). Collection method: clinical testing. Allele origin: germline.
Comment: This sequence change creates a premature translational stop signal (p.Gln729*) in the FGD4 gene. While this is not anticipated to result in nonsense mediated decay, it is expected to disrupt the last 38 amino acid(s) of the FGD4 protein. This variant is not present in population databases (gnomAD no frequency). This variant has not been reported in the literature in individuals affected with FGD4-related conditions. Experimental studies and prediction algorithms are not available or were not evaluated, and the functional significance of this variant is currently unknown. This variant disrupts a region of the FGD4 protein in which other variant(s) (p.Ala738Serfs*5) have been determined to be pathogenic (PMID: 31152969). This suggests that this is a clinically significant region of the protein, and that variants that disrupt it are likely to be disease-causing. For these reasons, this variant has been classified as Pathogenic.

Literature cited by the submitters: PubMed 31152969.

NM_001370298.3(FGD4):c.2596C>T (p.Gln866Ter)

Gene: FGD4 (FYVE, RhoGEF and PH domain containing 4; plus strand). Cytogenetic location: 12p11.21.
Variant type: single nucleotide variant.
Coding change: c.2596C>T on transcript NM_001370298.3 (MANE Select); coding-DNA position 2596, C replaced by T.
Protein change: p.Gln866Ter; replaces glutamine 866 with a stop codon.
Molecular consequence: nonsense.
Genome position (GRCh38, 1-based): chr12:32,640,417, C>T. VCF-style: chr12-32640417-C-T. GRCh37 (hg19) VCF-style: chr12-32793351-C-T.
Other names: c.2440C>T, p.Gln814Ter (NM_001304481.2); c.1153C>T, p.Gln385Ter (NM_001304484.2); c.1906C>T, p.Gln636Ter (NM_001330373.2, NM_001330374.2, NM_001384130.1); c.1633C>T, p.Gln545Ter (NM_001370297.1); c.2596C>T, p.Gln866Ter (NM_001384126.1); c.2185C>T, p.Gln729Ter (NM_001384127.1, NM_001384128.1, NM_001385118.1 and 1 more transcripts); short protein forms Q636*, Q385*, Q814*, Q545*, Q729*, Q866*.
Identifiers: ClinVar variation 2004242 (VCV002004242.4), dbSNP rs2540869203, ClinGen allele CA384372559.
Genomic context (GRCh38, chr12:32,640,417, plus strand): 5'-TTCAAACTGACCCAGTCTAAGTCCGTGCACAGCTTTGCTGCAGACAGTGAGGAACTGAAG[C>T]AGAAGTGGCTGAAAGTCATCCTTTTAGCTGTCACAGGTGAGACACCAGGTGGTCCAAATG-3'